The following is an entry in ClinVar:

NM_025179.4(PLXNA2):c.4684C>T (p.Arg1562Trp)

Gene: PLXNA2 (plexin A2; minus strand). Cytogenetic location: 1q32.2.
Variant type: single nucleotide variant.
Coding change: c.4684C>T on transcript NM_025179.4 (MANE Select); coding-DNA position 4684, C replaced by T.
Protein change: p.Arg1562Trp; replaces arginine 1562 with tryptophan.
Molecular consequence: missense variant.
Genome position (GRCh38, 1-based): chr1:208,038,451, G>A on the plus strand (C>T on the coding strand, the complement: PLXNA2 is on the minus strand). VCF-style: chr1-208038451-G-A. GRCh37 (hg19) VCF-style: chr1-208211796-G-A.
Other names: short protein forms R1562W.
Identifiers: ClinVar variation 4999480 (VCV004999480.1).

ClinVar aggregate classification (germline): Uncertain significance (1 of 4 stars; one submission).

Conditions:
PLXNA2-related disorder. Also called: PLXNA2-related condition.

gnomAD v4.1: 5 of 1,614,114 alleles (0.00031%); highest among the groups gnomAD compares: Non-Finnish European, 0.00025%; no homozygotes.

Submission:

PreventionGenetics, part of Exact Sciences
Classification: Uncertain significance for PLXNA2-related condition. Last evaluated: 2026-03-03. Review status: criteria provided, single submitter. Criteria: ACMG Guidelines, 2015. Collection method: clinical testing. Allele origin: germline.
Comment: The PLXNA2 c.4684C>T variant is predicted to result in the amino acid substitution p.Arg1562Trp. To our knowledge, this variant has not been reported in the literature. This variant is reported in 0.0046% of alleles in individuals of European (Finnish) descent in gnomAD. At this time, the clinical significance of this variant is uncertain due to the absence of conclusive functional and genetic evidence.